The following is an entry in ClinVar:

ClinVar aggregate classification (germline): Uncertain significance. Review status: criteria provided, multiple submitters, no conflicts (2 of 4 stars). 2 submissions from 2 submitters: Uncertain significance (2). Last evaluated 2024-01-03.

Allele frequency attached by ClinVar (database versions not stated): TOPMed 0.00001.
gnomAD v4.1: 2 of 1,608,052 alleles (0.00012%); highest among the groups gnomAD compares: Non-Finnish European, 0.00017%; no homozygotes.

Submissions (2):

Labcorp Genetics (formerly Invitae), Labcorp
Classification: Uncertain significance. Last evaluated: 2024-01-03. Review status: criteria provided, single submitter. Criteria: Invitae Variant Classification Sherloc (09022015). Collection method: clinical testing. Allele origin: germline.
Comment: This sequence change replaces aspartic acid, which is acidic and polar, with asparagine, which is neutral and polar, at codon 1206 of the DCHS1 protein (p.Asp1206Asn). This variant is not present in population databases (gnomAD no frequency). This variant has not been reported in the literature in individuals affected with DCHS1-related conditions. Advanced modeling of protein sequence and biophysical properties (such as structural, functional, and spatial information, amino acid conservation, physicochemical variation, residue mobility, and thermodynamic stability) performed at Invitae indicates that this missense variant is not expected to disrupt DCHS1 protein function with a negative predictive value of 80%. In summary, the available evidence is currently insufficient to determine the role of this variant in disease. Therefore, it has been classified as a Variant of Uncertain Significance.

Blueprint Genetics
Classification: Uncertain significance. Last evaluated: 2023-02-08. Review status: criteria provided, single submitter. Criteria: ACMG Guidelines, 2015. Collection method: clinical testing. Allele origin: germline.

NM_003737.4(DCHS1):c.3616G>A (p.Asp1206Asn)

Gene: DCHS1 (dachsous cadherin-related 1; minus strand). Cytogenetic location: 11p15.4.
Variant type: single nucleotide variant.
Coding change: c.3616G>A on transcript NM_003737.4 (MANE Select); coding-DNA position 3616, G replaced by A.
Protein change: p.Asp1206Asn; replaces aspartic acid 1206 with asparagine.
Molecular consequence: missense variant.
Genome position (GRCh38, 1-based): chr11:6,631,675, C>T on the plus strand (G>A on the coding strand, the complement: DCHS1 is on the minus strand). VCF-style: chr11-6631675-C-T. GRCh37 (hg19) VCF-style: chr11-6652906-C-T.
Other names: short protein forms D1206N.
Identifiers: ClinVar variation 2858813 (VCV002858813.4), dbSNP rs1855909723, ClinGen allele CA379411500.
Genomic context (GRCh38, chr11:6,631,675, plus strand): 5'-CCTGTATAGGGAGGCCCCCACCAGCAGCTCCTGAAGCCTGCAGGAACGTGGGGCTGTTGT[C>T]GTTGAGGTCAAGCACTGCAACATGCACAGTGCCTGTGGTGCTGCGGGGTGGGCTCCCTCC-3'
Protein context (NP_003728.1, residues 1196-1216): TVHVAVLDLN[Asp1206Asn]NSPTFLQASG